The following is an entry in ClinVar:

ClinVar aggregate classification (germline): Uncertain significance. Review status: criteria provided, multiple submitters, no conflicts (2 of 4 stars). 2 submissions from 2 submitters: Uncertain significance (2). Last evaluated 2023-12-16.

Conditions:
Accelerated tumor formation, susceptibility to (ACTFS). Identifiers: MedGen C3280690, OMIM 614401, MONDO:0013733.

Allele frequency attached by ClinVar (database versions not stated): ExAC 0.00002; gnomAD exomes 0.00002; gnomAD 0.00003 and 0.00004; TOPMed 0.00003.
gnomAD v4.1: 35 of 1,605,474 alleles (0.0022%); highest among the groups gnomAD compares: African/African-American, 0.011%; no homozygotes.

Submissions (2):

Ambry Genetics
Classification: Uncertain significance. Last evaluated: 2023-12-16. Review status: criteria provided, single submitter. Criteria: Ambry Variant Classification Scheme 2023. Collection method: clinical testing. Allele origin: germline.

Labcorp Genetics (formerly Invitae), Labcorp
Classification: Uncertain significance for Accelerated tumor formation, susceptibility to. Last evaluated: 2022-09-05. Review status: criteria provided, single submitter. Criteria: Invitae Variant Classification Sherloc (09022015). Collection method: clinical testing. Allele origin: germline.
Comment: ClinVar contains an entry for this variant (Variation ID: 1046432). Algorithms developed to predict the effect of missense changes on protein structure and function output the following: SIFT: "Tolerated"; PolyPhen-2: "Benign"; Align-GVGD: "Class C0". The serine amino acid residue is found in multiple mammalian species, which suggests that this missense change does not adversely affect protein function. This variant has not been reported in the literature in individuals affected with MDM2-related conditions. In summary, the available evidence is currently insufficient to determine the role of this variant in disease. Therefore, it has been classified as a Variant of Uncertain Significance. This sequence change replaces asparagine, which is neutral and polar, with serine, which is neutral and polar, at codon 117 of the MDM2 protein (p.Asn117Ser). This variant is present in population databases (rs767475639, gnomAD 0.006%).

NM_002392.6(MDM2):c.350A>G (p.Asn117Ser)

Gene: MDM2 (MDM2 proto-oncogene; plus strand). Cytogenetic location: 12q15.
Variant type: single nucleotide variant.
Coding change: c.350A>G on transcript NM_002392.6 (MANE Select); coding-DNA position 350, A replaced by G.
Protein change: p.Asn117Ser; replaces asparagine 117 with serine.
Molecular consequence: missense variant. On other transcripts: intron variant (2).
Genome position (GRCh38, 1-based): chr12:68,820,366, A>G. VCF-style: chr12-68820366-A-G. GRCh37 (hg19) VCF-style: chr12-69214146-A-G.
Other names: c.350A>G (NM_002392.3); c.332A>G, p.Asn111Ser (NM_001145337.3, NM_001367990.1); c.350A>G, p.Asn117Ser (NM_001145339.2); c.156+6738A>G (NM_001278462.2, NM_001145340.3); short protein forms N117S, N111S.
Identifiers: ClinVar variation 1046432 (VCV001046432.7), dbSNP rs767475639, ClinGen allele CA6678638.